The following is an entry in ClinVar:

ClinVar aggregate classification (germline): Conflicting classifications of pathogenicity. Review status: criteria provided, conflicting classifications (1 of 4 stars). 4 submissions from 4 submitters: Uncertain significance (1); Likely benign (2). 1 of the submissions does not count toward it. Last evaluated 2025-12-26.

Conditions:
BEST1-related disorder. Also called: BEST1-related disorders; BEST1-related condition. Identifiers: MedGen CN239200.
Retinitis pigmentosa (RP). Identifiers: Orphanet 791, MedGen C0035334, MeSH D012174, MONDO:0019200, OMIM 268000. Inheritance: Autosomal dominant, autosomal recessive and X linked inheritance.

Allele frequency attached by ClinVar (database versions not stated): ExAC 0.00009; gnomAD exomes 0.00013; 1000 Genomes Project 30x 0.00016; 1000 Genomes Project 0.00020; gnomAD 0.00029; TOPMed 0.00036; ESP Exome Variant Server 0.00046.
gnomAD v4.1: 167 of 1,614,158 alleles (0.01%); highest among the groups gnomAD compares: African/African-American, 0.11%; no homozygotes.

Submissions (4):

Labcorp Genetics (formerly Invitae), Labcorp
Classification: Likely benign. Last evaluated: 2025-12-26. Review status: criteria provided, single submitter. Criteria: Invitae Variant Classification Sherloc (09022015). Collection method: clinical testing. Allele origin: germline.

Blueprint Genetics
Classification: Likely benign. Last evaluated: 2024-01-23. Review status: criteria provided, single submitter. Criteria: ACMG Guidelines, 2015. Collection method: clinical testing. Allele origin: germline.

Illumina Laboratory Services, Illumina
Classification: Uncertain significance for Retinitis pigmentosa. Last evaluated: 2018-01-13. Review status: criteria provided, single submitter. Criteria: ICSL Variant Classification Criteria 13 December 2019. Collection method: clinical testing. Allele origin: germline.

PreventionGenetics, part of Exact Sciences
Classification: Likely benign for BEST1-related condition. Last evaluated: 2019-05-28. Review status: no assertion criteria provided. Collection method: clinical testing. Allele origin: germline. Not counted in ClinVar's aggregate classification.
Comment: This variant is classified as likely benign based on ACMG/AMP sequence variant interpretation guidelines (Richards et al. 2015 PMID: 25741868, with internal and published modifications).

NM_004183.4(BEST1):c.1143C>T (p.Asp381=)

Gene: BEST1 (bestrophin 1; plus strand). Cytogenetic location: 11q12.3.
Variant type: single nucleotide variant.
Coding change: c.1143C>T on transcript NM_004183.4 (MANE Select); coding-DNA position 1143, C replaced by T.
Protein change: p.Asp381=; no amino-acid change (aspartic acid 381 retained).
Molecular consequence: synonymous variant. On other transcripts: non-coding transcript variant (1).
Genome position (GRCh38, 1-based): chr11:61,962,297, C>T. VCF-style: chr11-61962297-C-T. GRCh37 (hg19) VCF-style: chr11-61729769-C-T.
Other names: c.963C>T, p.Asp321= (NM_001139443.3, NM_001300787.2); c.882C>T, p.Asp294= (NM_001300786.2); c.825C>T, p.Asp275= (NM_001363591.3); c.*38C>T (NM_001363592.2); c.171C>T, p.Asp57= (NM_001363593.3).
Identifiers: ClinVar variation 305126 (VCV000305126.17), dbSNP rs112199774, ClinGen allele CA6041006.